The following is an entry in ClinVar:

ClinVar aggregate classification (germline): Pathogenic. Review status: criteria provided, multiple submitters, no conflicts (2 of 4 stars). 4 submissions from 4 submitters: Pathogenic (3). 1 of the submissions does not count toward it. Last evaluated 2023-10-01.

Conditions:
Retinal dystrophy. Also called: Inherited retinal dystrophy. Identifiers: Orphanet 71862, MedGen C0854723, MeSH D058499, MONDO:0019118, HP:0000556.
Retinitis pigmentosa (RP). Identifiers: Orphanet 791, MedGen C0035334, MeSH D012174, MONDO:0019200, OMIM 268000. Inheritance: Autosomal dominant, autosomal recessive and X linked inheritance.
Retinitis pigmentosa 39 (RP39). Identifiers: Orphanet 791, MedGen C3151138, MONDO:0013436, OMIM 613809.

gnomAD v4.1: 4 of 1,613,482 alleles (0.00025%); highest among the groups gnomAD compares: East Asian, 0.0022%; no homozygotes.

Submissions (4):

Dept Of Ophthalmology, Nagoya University
Classification: Pathogenic for Retinal dystrophy. Last evaluated: 2023-10-01. Review status: criteria provided, single submitter. Criteria: Submitter's publication. Collection method: research. Allele origin: germline. Affected: yes.

Baylor Genetics
Classification: Pathogenic for Retinitis pigmentosa 39. Last evaluated: 2023-08-05. Review status: criteria provided, single submitter. Criteria: ACMG Guidelines, 2015. Collection method: clinical testing. Allele origin: unknown.

Labcorp Genetics (formerly Invitae), Labcorp
Classification: Pathogenic. Last evaluated: 2023-03-27. Review status: criteria provided, single submitter. Criteria: Invitae Variant Classification Sherloc (09022015). Collection method: clinical testing. Allele origin: germline.
Comment: For these reasons, this variant has been classified as Pathogenic. ClinVar contains an entry for this variant (Variation ID: 143183). This premature translational stop signal has been observed in individuals with retinitis pigmentosa (PMID: 25324289, 33105608). This variant is not present in population databases (gnomAD no frequency). This sequence change creates a premature translational stop signal (p.Trp2133*) in the USH2A gene. It is expected to result in an absent or disrupted protein product. Loss-of-function variants in USH2A are known to be pathogenic (PMID: 10729113, 10909849, 20507924, 25649381).

Department of Ophthalmology and Visual Sciences Kyoto University
Classification: Likely pathogenic for Retinitis pigmentosa. Review status: no assertion criteria provided. Collection method: not provided. Allele origin: unknown. Not counted in ClinVar's aggregate classification.
ClinVar note: Converted during submission from probable-pathogenic to Likely pathogenic.

Literature cited by the submitters: PubMed 25324289 (cited by Labcorp Genetics (formerly Invitae), Labcorp); PubMed 33105608 (cited by Labcorp Genetics (formerly Invitae), Labcorp); PubMed 10729113 (cited by Labcorp Genetics (formerly Invitae), Labcorp); PubMed 10909849 (cited by Labcorp Genetics (formerly Invitae), Labcorp); PubMed 20507924 (cited by Labcorp Genetics (formerly Invitae), Labcorp); PubMed 25649381 (cited by Labcorp Genetics (formerly Invitae), Labcorp).

NM_206933.4(USH2A):c.6399G>A (p.Trp2133Ter)

Gene: USH2A (usherin; minus strand). Cytogenetic location: 1q41.
Variant type: single nucleotide variant.
Coding change: c.6399G>A on transcript NM_206933.4 (MANE Select); coding-DNA position 6399, G replaced by A.
Protein change: p.Trp2133Ter; replaces tryptophan 2133 with a stop codon.
Molecular consequence: nonsense.
Genome position (GRCh38, 1-based): chr1:216,000,489, C>T on the plus strand (G>A on the coding strand, the complement: USH2A is on the minus strand). VCF-style: chr1-216000489-C-T. GRCh37 (hg19) VCF-style: chr1-216173831-C-T.
Other names: short protein forms W2133*.
Identifiers: ClinVar variation 143183 (VCV000143183.7), dbSNP rs55958016, ClinGen allele CA270159.